The following is an entry in ClinVar:

ClinVar aggregate classification (germline): Uncertain significance. Review status: criteria provided, multiple submitters, no conflicts (2 of 4 stars). 2 submissions from 2 submitters: Uncertain significance (2). Last evaluated 2024-07-30.

Conditions:
Cardiovascular phenotype. Identifiers: MedGen CN230736.
Long QT syndrome (LQTS). Identifiers: MedGen C0023976, MeSH D008133, MONDO:0002442. Disease mechanism: loss of function. Inheritance: Various modes of inheritance.

Allele frequency attached by ClinVar (database versions not stated): gnomAD 0.00001; TOPMed 0.00001; gnomAD exomes 0.00003.
gnomAD v4.1: 38 of 1,613,786 alleles (0.0024%); highest among the groups gnomAD compares: Non-Finnish European, 0.0032%; no homozygotes.

Submissions (2):

Ambry Genetics
Classification: Uncertain significance for Cardiovascular phenotype. Last evaluated: 2024-07-30. Review status: criteria provided, single submitter. Criteria: Ambry Variant Classification Scheme 2023. Collection method: clinical testing. Allele origin: germline.

Labcorp Genetics (formerly Invitae), Labcorp
Classification: Uncertain significance for Long QT syndrome. Last evaluated: 2021-07-07. Review status: criteria provided, single submitter. Criteria: Invitae Variant Classification Sherloc (09022015). Collection method: clinical testing. Allele origin: germline.
Comment: This sequence change replaces glutamine with histidine at codon 3444 of the AKAP9 protein (p.Gln3444His). The glutamine residue is moderately conserved and there is a small physicochemical difference between glutamine and histidine. This variant is not present in population databases (ExAC no frequency). This variant has not been reported in the literature in individuals with AKAP9-related conditions. Algorithms developed to predict the effect of missense changes on protein structure and function are either unavailable or do not agree on the potential impact of this missense change (SIFT: "Deleterious"; PolyPhen-2: "Probably Damaging"; Align-GVGD: "Class C0"). In summary, the available evidence is currently insufficient to determine the role of this variant in disease. Therefore, it has been classified as a Variant of Uncertain Significance.

NM_005751.5(AKAP9):c.10332G>T (p.Gln3444His)

Gene: AKAP9 (A-kinase anchoring protein 9; plus strand). Cytogenetic location: 7q21.2.
Variant type: single nucleotide variant.
Coding change: c.10332G>T on transcript NM_005751.5 (MANE Select); coding-DNA position 10332, G replaced by T.
Protein change: p.Gln3444His; replaces glutamine 3444 with histidine.
Molecular consequence: missense variant.
Genome position (GRCh38, 1-based): chr7:92,097,291, G>T. VCF-style: chr7-92097291-G-T. GRCh37 (hg19) VCF-style: chr7-91726605-G-T.
Other names: c.4977G>T, p.Gln1659His (NM_001379277.1); c.10308G>T, p.Gln3436His (NM_147185.3); c.10332G>T (NM_005751.4); short protein forms Q3436H, Q1659H, Q3444H.
Identifiers: ClinVar variation 1444139 (VCV001444139.10), dbSNP rs981017281, ClinGen allele CA161897179.